The following is an entry in ClinVar:

NM_001013703.4(EIF2AK4):c.4562-8G>T

Gene: EIF2AK4 (eukaryotic translation initiation factor 2 alpha kinase 4; plus strand). Cytogenetic location: 15q15.1.
Variant type: single nucleotide variant.
Coding change: c.4562-8G>T on transcript NM_001013703.4 (MANE Select); 8 bases into the intron before coding-DNA position 4562, G replaced by T.
Molecular consequence: intron variant.
Genome position (GRCh38, 1-based): chr15:40,030,351, G>T. VCF-style: chr15-40030351-G-T. GRCh37 (hg19) VCF-style: chr15-40322552-G-T.
Identifiers: ClinVar variation 381185 (VCV000381185.31), dbSNP rs2250402, ClinGen allele CA7474671.
Genomic context (GRCh38, chr15:40,030,351, plus strand): 5'-TCTCTGTAGTATGTTGTAGAAAGTGGGACCAGATAAGGCCATAAATTCTGAAACTCTCTT[G>T]GTCTCAGGTTTGTTTGAAATCCATGGAGCAACAGTGGTTCCCATTGTGAGTGTGCTAGCC-3'

ClinVar aggregate classification (germline): Benign. Review status: criteria provided, multiple submitters, no conflicts (2 of 4 stars). 7 submissions from 7 submitters: Benign (7). Last evaluated 2026-02-03.

Conditions:
Familial pulmonary capillary hemangiomatosis (PVOD2). Also called: Pulmonary venoocclusive disease 2, autosomal recessive; Pulmonary venoocclusive disease 2. Identifiers: Orphanet 199241, MedGen C0340848, MONDO:0009329, OMIM 234810.

Allele frequency attached by ClinVar (database versions not stated): TOPMed 0.92739; ESP Exome Variant Server 0.93031; 1000 Genomes Project 0.90555; 1000 Genomes Project 30x 0.91068; gnomAD exomes 0.91351; ExAC 0.91443; gnomAD 0.92267 and 0.92552.
gnomAD v4.1: 1,478,018 of 1,613,276 alleles (92%); highest among the groups gnomAD compares: Admixed American, 96%; 677,771 homozygotes.

Submissions (7):

Labcorp Genetics (formerly Invitae), Labcorp
Classification: Benign. Last evaluated: 2026-02-03. Review status: criteria provided, single submitter. Criteria: Invitae Variant Classification Sherloc (09022015). Collection method: clinical testing. Allele origin: germline.

ARUP Laboratories, Molecular Genetics and Genomics, ARUP Laboratories
Classification: Benign for Familial pulmonary capillary hemangiomatosis. Last evaluated: 2025-07-25. Review status: criteria provided, single submitter. Criteria: ARUP Molecular Germline Variant Investigation Process 2024. Collection method: clinical testing. Allele origin: germline.

Blueprint Genetics
Classification: Benign. Last evaluated: 2024-11-27. Review status: criteria provided, single submitter. Criteria: ACMG Guidelines, 2015. Collection method: clinical testing. Allele origin: germline.

Genome-Nilou Lab
Classification: Benign for Familial pulmonary capillary hemangiomatosis. Last evaluated: 2021-07-30. Review status: criteria provided, single submitter. Criteria: ACMG Guidelines, 2015. Collection method: clinical testing. Allele origin: germline. Affected: no.

GeneDx
Classification: Benign. Last evaluated: 2016-10-05. Review status: criteria provided, single submitter. Criteria: GeneDx Variant Classification (06012015). Collection method: clinical testing. Allele origin: germline. Affected: yes.
Comment: This variant is considered likely benign or benign based on one or more of the following criteria: it is a conservative change, it occurs at a poorly conserved position in the protein, it is predicted to be benign by multiple in silico algorithms, and/or has population frequency not consistent with disease.

Laboratory for Molecular Medicine, Mass General Brigham Personalized Medicine
Classification: Benign. Last evaluated: 2016-03-28. Review status: criteria provided, single submitter. Criteria: LMM Criteria. Collection method: clinical testing. Allele origin: germline. Observed: 1 variant allele.
Comment: Disclaimer: This variant has not undergone full assessment. The following are pr eliminary notes: Frequency

Breakthrough Genomics
Classification: Benign. Review status: criteria provided, single submitter. Criteria: ACMG Guidelines, 2015. Collection method: not provided. Allele origin: germline. Inheritance: Autosomal recessive inheritance. Affected: yes.